The following is an entry in ClinVar:

NM_001367871.1(FBRSL1):c.2998_2999insT (p.Glu1000fs)

Gene: FBRSL1 (fibrosin like 1; plus strand). Cytogenetic location: 12q24.33.
Variant type: Insertion.
Coding change: c.2998_2999insT on transcript NM_001367871.1 (MANE Select); coding-DNA positions 2998 to 2999, T inserted.
Protein change: p.Glu1000fs; shifts the reading frame from glutamic acid 1000.
Molecular consequence: frameshift variant.
Genome position: GRCh38 VCF-style: chr12-132583767-G-GT. GRCh37 (hg19) VCF-style: chr12-133160353-G-GT.
Other names: c.3127_3128insT, p.Glu1043fs (NM_001142641.2); c.3052_3053insT, p.Glu1018fs (NM_001382739.1); c.2377_2378insT, p.Glu793fs (NM_001382740.1); short protein forms E1000fs, E1018fs, E1043fs, E793fs.
Identifiers: ClinVar variation 4281964 (VCV004281964.1).
Genomic context (GRCh38, chr12:132,583,767, plus strand): 5'-GGGGGCCTCGGGCCGGGCGAGGCGCGCGACTACTCCCCGTCCCGAAATCCCCCGGAGGTG[G>GT]AGGCGCGGTAGCCCCGGGGCCGCAGACGCCTCTCCGAGCGGAGCGCACCGCTGTCCGTCT-3'

ClinVar aggregate classification (germline): Uncertain significance (1 of 4 stars; one submission).

Submission:

GeneDx
Classification: Uncertain significance. Last evaluated: 2025-04-15. Review status: criteria provided, single submitter. Criteria: GeneDx Variant Classification Process June 2021. Collection method: clinical testing. Allele origin: germline. Affected: yes.
Comment: Not observed at significant frequency in large population cohorts (gnomAD); Has not been previously published as pathogenic or benign to our knowledge; Frameshift variant predicted to result in abnormal protein length as the last 3 amino acids are replaced with 25 different amino acids with an unclear effect on protein function